The following is an entry in ClinVar:

NM_207122.2(EXT2):c.850G>A (p.Asp284Asn)

Gene: EXT2 (exostosin glycosyltransferase 2; plus strand). Cytogenetic location: 11p11.2.
Variant type: single nucleotide variant.
Coding change: c.850G>A on transcript NM_207122.2 (MANE Select); coding-DNA position 850, G replaced by A.
Protein change: p.Asp284Asn; replaces aspartic acid 284 with asparagine.
Molecular consequence: missense variant.
Genome position (GRCh38, 1-based): chr11:44,124,895, G>A. VCF-style: chr11-44124895-G-A. GRCh37 (hg19) VCF-style: chr11-44146445-G-A.
Other names: c.949G>A, p.Asp317Asn (NM_000401.3); c.850G>A, p.Asp284Asn (NM_001178083.3, NM_001389628.1, NM_001389630.1); short protein forms D317N, D284N.
Identifiers: ClinVar variation 2729067 (VCV002729067.3), dbSNP rs142827945, ClinGen allele CA5955019.

ClinVar aggregate classification (germline): Uncertain significance (1 of 4 stars; one submission).

Conditions:
Exostoses, multiple, type 2 (EXT2). Also called: Hereditary Multiple Osteochondromatosis, Type II; EXOSTOSES, MULTIPLE, TYPE II. Identifiers: Orphanet 321, MedGen C1851413, MONDO:0007586, OMIM 133701.

Allele frequency attached by ClinVar (database versions not stated): gnomAD exomes 0.00001; TOPMed 0.00001; ExAC 0.00002; gnomAD 0.00002; ESP Exome Variant Server 0.00008.
gnomAD v4.1: 18 of 1,613,946 alleles (0.0011%); highest among the groups gnomAD compares: East Asian, 0.0089%; no homozygotes.

Submission:

Labcorp Genetics (formerly Invitae), Labcorp
Classification: Uncertain significance for Exostoses, multiple, type 2. Last evaluated: 2023-03-17. Review status: criteria provided, single submitter. Criteria: Invitae Variant Classification Sherloc (09022015). Collection method: clinical testing. Allele origin: germline.
Comment: In summary, the available evidence is currently insufficient to determine the role of this variant in disease. Therefore, it has been classified as a Variant of Uncertain Significance. Advanced modeling of protein sequence and biophysical properties (such as structural, functional, and spatial information, amino acid conservation, physicochemical variation, residue mobility, and thermodynamic stability) performed at Invitae indicates that this missense variant is not expected to disrupt EXT2 protein function. This variant has not been reported in the literature in individuals affected with EXT2-related conditions. This variant is present in population databases (rs142827945, gnomAD 0.01%). This sequence change replaces aspartic acid, which is acidic and polar, with asparagine, which is neutral and polar, at codon 284 of the EXT2 protein (p.Asp284Asn).